The following is an entry in ClinVar:

NM_001367624.2(ZNF469):c.626G>A (p.Gly209Glu)

Gene: ZNF469 (zinc finger protein 469; plus strand). Cytogenetic location: 16q24.2.
Variant type: single nucleotide variant.
Coding change: c.626G>A on transcript NM_001367624.2 (MANE Select); coding-DNA position 626, G replaced by A.
Protein change: p.Gly209Glu; replaces glycine 209 with glutamic acid.
Molecular consequence: missense variant.
Genome position (GRCh38, 1-based): chr16:88,428,096, G>A. VCF-style: chr16-88428096-G-A. GRCh37 (hg19) VCF-style: chr16-88494504-G-A.
Other names: NM_001127464.1:c.626G>A; short protein forms G209E.
Identifiers: ClinVar variation 3476161 (VCV003476161.3).

ClinVar aggregate classification (germline): Uncertain significance. Review status: criteria provided, multiple submitters, no conflicts (2 of 4 stars). 2 submissions from 2 submitters: Uncertain significance (2). Last evaluated 2025-02-03.

Conditions:
Cardiovascular phenotype. Identifiers: MedGen CN230736.

gnomAD v4.1: 3 of 1,549,732 alleles (0.00019%); highest among the groups gnomAD compares: Non-Finnish European, 0.00026%; no homozygotes.

Submissions (2):

Labcorp Genetics (formerly Invitae), Labcorp
Classification: Uncertain significance. Last evaluated: 2025-02-03. Review status: criteria provided, single submitter. Criteria: Invitae Variant Classification Sherloc (09022015). Collection method: clinical testing. Allele origin: germline.
Comment: This sequence change replaces glycine, which is neutral and non-polar, with glutamic acid, which is acidic and polar, at codon 209 of the ZNF469 protein (p.Gly209Glu). This variant is not present in population databases (gnomAD no frequency). This variant has not been reported in the literature in individuals affected with ZNF469-related conditions. ClinVar contains an entry for this variant (Variation ID: 3476161). An algorithm developed to predict the effect of missense changes on protein structure and function (PolyPhen-2) suggests that this variant is likely to be tolerated. In summary, the available evidence is currently insufficient to determine the role of this variant in disease. Therefore, it has been classified as a Variant of Uncertain Significance.

Ambry Genetics
Classification: Uncertain significance for Cardiovascular phenotype. Last evaluated: 2024-07-11. Review status: criteria provided, single submitter. Criteria: Ambry Variant Classification Scheme 2023. Collection method: clinical testing. Allele origin: germline.
Comment: The p.G209E variant (also known as c.626G>A), located in coding exon 1 of the ZNF469 gene, results from a G to A substitution at nucleotide position 626. The glycine at codon 209 is replaced by glutamic acid, an amino acid with similar properties. This amino acid position is conserved. In addition, this alteration is predicted to be tolerated by in silico analysis. Based on the available evidence, the clinical significance of this variant remains unclear.